The following is an entry in ClinVar:

ClinVar aggregate classification (germline): Uncertain significance (1 of 4 stars; one submission).

Conditions:
Congenital muscular dystrophy due to integrin alpha-7 deficiency. Also called: Congenital muscular dystrophy with integrin alpha-7 deficiency; MYOPATHY, CONGENITAL, DUE TO INTEGRIN ALPHA-7 DEFICIENCY; Muscular dystrophy, congenital, due to ITGA7 deficiency. Identifiers: Orphanet 34520, MedGen C2750786, MONDO:0013177, OMIM 613204.

Allele frequency attached by ClinVar (database versions not stated): TOPMed below 0.00001; gnomAD 0.00001; gnomAD exomes 0.00001 and 0.00002.

Submission:

Labcorp Genetics (formerly Invitae), Labcorp
Classification: Uncertain significance for Congenital muscular dystrophy due to integrin alpha-7 deficiency. Last evaluated: 2021-08-04. Review status: criteria provided, single submitter. Criteria: Invitae Variant Classification Sherloc (09022015). Collection method: clinical testing. Allele origin: germline.
Comment: This sequence change replaces arginine with glutamine at codon 157 of the ITGA7 protein (p.Arg157Gln). The arginine residue is moderately conserved and there is a small physicochemical difference between arginine and glutamine. This variant is not present in population databases (ExAC no frequency). This variant has not been reported in the literature in individuals with ITGA7-related conditions. Algorithms developed to predict the effect of missense changes on protein structure and function are either unavailable or do not agree on the potential impact of this missense change (SIFT: "Tolerated"; PolyPhen-2: "Probably Damaging"; Align-GVGD: "Class C0"). In summary, the available evidence is currently insufficient to determine the role of this variant in disease. Therefore, it has been classified as a Variant of Uncertain Significance.

NM_002206.3(ITGA7):c.470G>A (p.Arg157Gln)

Gene: ITGA7 (integrin subunit alpha 7; minus strand). Cytogenetic location: 12q13.2.
Variant type: single nucleotide variant.
Coding change: c.470G>A on transcript NM_002206.3 (MANE Select); coding-DNA position 470, G replaced by A.
Protein change: p.Arg157Gln; replaces arginine 157 with glutamine.
Molecular consequence: missense variant. On other transcripts: 5 prime UTR variant (1).
Genome position (GRCh38, 1-based): chr12:55,701,099, C>T on the plus strand (G>A on the coding strand, the complement: ITGA7 is on the minus strand). VCF-style: chr12-55701099-C-T. GRCh37 (hg19) VCF-style: chr12-56094883-C-T.
Other names: c.470G>A, p.Arg157Gln (NM_001144996.2, NM_001374465.1, NM_001410977.1 and 5 more transcripts); c.179G>A, p.Arg60Gln (NM_001144997.2); c.131G>A, p.Arg44Gln (NM_001367993.1, NM_001414035.1); c.-703G>A (NM_001367994.1); short protein forms R157Q, R44Q, R60Q.
Identifiers: ClinVar variation 1408773 (VCV001408773.8), dbSNP rs867646342, ClinGen allele CA385192411.